The following is an entry in ClinVar:

ClinVar aggregate classification (germline): Uncertain significance (1 of 4 stars; one submission).

Conditions:
Familial adenomatous polyposis 1 (FAP1). Also called: FAMILIAL ADENOMATOUS POLYPOSIS 1, ATTENUATED; POLYPOSIS, ADENOMATOUS INTESTINAL. Identifiers: MedGen C2713442, MONDO:0021056, OMIM 175100. Disease mechanism: loss of function.

Submission:

Labcorp Genetics (formerly Invitae), Labcorp
Classification: Uncertain significance for Familial adenomatous polyposis 1. Last evaluated: 2025-11-09. Review status: criteria provided, single submitter. Criteria: Invitae Variant Classification Sherloc (09022015). Collection method: clinical testing. Allele origin: germline.
Comment: This sequence change replaces lysine, which is basic and polar, with asparagine, which is neutral and polar, at codon 2193 of the APC protein (p.Lys2193Asn). This variant is not present in population databases (gnomAD no frequency). This variant has not been reported in the literature in individuals affected with APC-related conditions. ClinVar contains an entry for this variant (Variation ID: 2997501). Invitae Evidence Modeling of protein sequence and biophysical properties (such as structural, functional, and spatial information, amino acid conservation, physicochemical variation, residue mobility, and thermodynamic stability) indicates that this missense variant is not expected to disrupt APC protein function with a negative predictive value of 95%. In summary, the available evidence is currently insufficient to determine the role of this variant in disease. Therefore, it has been classified as a Variant of Uncertain Significance.

NM_000038.6(APC):c.6579A>T (p.Lys2193Asn)

Gene: APC (APC regulator of Wnt signaling pathway; plus strand). Cytogenetic location: 5q22.2.
Variant type: single nucleotide variant.
Coding change: c.6579A>T on transcript NM_000038.6 (MANE Select); coding-DNA position 6579, A replaced by T.
Protein change: p.Lys2193Asn; replaces lysine 2193 with asparagine.
Molecular consequence: missense variant. On other transcripts: non-coding transcript variant (2).
Genome position (GRCh38, 1-based): chr5:112,842,173, A>T. VCF-style: chr5-112842173-A-T. GRCh37 (hg19) VCF-style: chr5-112177870-A-T.
Other names: c.6579A>T, p.Lys2193Asn (NM_001127510.3, NM_001354895.2, NM_001407450.1); c.6525A>T, p.Lys2175Asn (NM_001127511.3); c.6633A>T, p.Lys2211Asn (NM_001354896.2, NM_001407447.1, NM_001407448.1 and 1 more transcripts); c.6609A>T, p.Lys2203Asn (NM_001354897.2); c.6504A>T, p.Lys2168Asn (NM_001354898.2); c.6495A>T, p.Lys2165Asn (NM_001354899.2); c.6456A>T, p.Lys2152Asn (NM_001354900.2); c.6402A>T, p.Lys2134Asn (NM_001354901.2, NM_001407453.1); and 11 more; short protein forms K2064N, K2067N, K2152N, K2221N, K2110N, K2165N, K2175N, K2186N.
Identifiers: ClinVar variation 2997501 (VCV002997501.3), dbSNP rs908184283, ClinGen allele CA16035726.